The following is an entry in ClinVar:

ClinVar aggregate classification (germline): Uncertain significance (1 of 4 stars; one submission).

gnomAD v4.1: 9 of 1,614,192 alleles (0.00056%); highest among the groups gnomAD compares: Admixed American, 0.015%; no homozygotes.

Submission:

GeneDx
Classification: Uncertain significance. Last evaluated: 2024-05-13. Review status: criteria provided, single submitter. Criteria: GeneDx Variant Classification Process June 2021. Collection method: clinical testing. Allele origin: germline. Affected: yes.
Comment: In silico analysis indicates that this missense variant does not alter protein structure/function; Has not been previously published as pathogenic or benign to our knowledge

NM_001303457.2(TTI1):c.1469A>G (p.Gln490Arg)

Gene: TTI1 (TELO2 interacting protein 1; minus strand). Cytogenetic location: 20q11.23.
Variant type: single nucleotide variant.
Coding change: c.1469A>G on transcript NM_001303457.2 (MANE Select); coding-DNA position 1469, A replaced by G.
Protein change: p.Gln490Arg; replaces glutamine 490 with arginine.
Molecular consequence: missense variant.
Genome position (GRCh38, 1-based): chr20:38,012,348, T>C on the plus strand (A>G on the coding strand, the complement: TTI1 is on the minus strand). VCF-style: chr20-38012348-T-C. GRCh37 (hg19) VCF-style: chr20-36640750-T-C.
Other names: c.1469A>G, p.Gln490Arg (NM_014657.3); short protein forms Q490R.
Identifiers: ClinVar variation 3378129 (VCV003378129.1).